The following is an entry in ClinVar:

ClinVar aggregate classification (germline): Likely pathogenic (1 of 4 stars; one submission).

Conditions:
Renal carnitine transport defect (CDSP). Also called: CARNITINE DEFICIENCY, SYSTEMIC, DUE TO DEFECT IN RENAL REABSORPTION OF CARNITINE; CARNITINE TRANSPORTER, PLASMA-MEMBRANE, DEFICIENCY OF; CARNITINE UPTAKE DEFECT; Carnitine Deficiency, Systemic; Primary carnitine deficiency; Systemic primary carnitine deficiency. Identifiers: Orphanet 158, MedGen C0342788, MONDO:0008919, OMIM 212140.

Submission:

Myriad Genetics, Inc.
Classification: Likely pathogenic for Renal carnitine transport defect. Last evaluated: 2021-12-12. Review status: criteria provided, single submitter. Criteria: Myriad Women's Health Autosomal Recessive and X-Linked Classification Criteria (2021). Collection method: clinical testing. Allele origin: unknown.
Comment: NM_003060.3(SLC22A5):c.1195delC(R399Gfs*34) is expected to be pathogenic in the context of primary carnitine deficiency. This variant is predicted to lead to an abnormal or absent protein product due to the creation of a premature termination codon in SLC22A5, a gene where loss-of-function variants are known to be pathogenic. Please note: this variant was assessed in the context of healthy population screening.

NM_003060.4(SLC22A5):c.1195del (p.Arg399fs)

Gene: SLC22A5 (solute carrier family 22 member 5; plus strand). Cytogenetic location: 5q31.1.
Variant type: Deletion.
Coding change: c.1195del on transcript NM_003060.4 (MANE Select); coding-DNA position 1195, one base deleted (C; older notation c.1195delC).
Protein change: p.Arg399fs; shifts the reading frame from arginine 399.
Molecular consequence: frameshift variant.
Genome position (GRCh38, 1-based): chr5:132,390,832, C deleted; the last of 4 consecutive C bases (chr5:132,390,829-132,390,832); deleting any one gives the same sequence. VCF-style (leftmost placement, unchanged base first): chr5-132390828-GC-G. GRCh37 (hg19) VCF-style: chr5-131726520-GC-G.
Other names: c.1267del, p.Arg423fs (NM_001308122.2); short protein forms R399fs, R423fs.
Identifiers: ClinVar variation 1726292 (VCV001726292.2), dbSNP rs2532134542, ClinGen allele CA2580072652.
Genomic context (GRCh38, chr5:132,390,828, plus strand): 5'-CCTTTCAGCGATGGTTGAAGTCCCAGCATATGTGTTGGCCTGGCTGCTGCTGCAATATTT[GC>G]CCCGGCGCTATTCCATGGCCACTGCCCTCTTCCTGGGTGGCAGTGTCCTTCTCTTCATGC-3'